The following is an entry in ClinVar:

ClinVar aggregate classification (germline): Uncertain significance (1 of 4 stars; one submission).

Allele frequency attached by ClinVar (database versions not stated): gnomAD exomes below 0.00001.
gnomAD v4.1: 1 of 1,609,762 alleles (0.000062%); highest among the groups gnomAD compares: Non-Finnish European, 0.000085%; no homozygotes.

Submission:

Ambry Genetics
Classification: Uncertain significance. Last evaluated: 2024-02-06. Review status: criteria provided, single submitter. Criteria: Ambry Variant Classification Scheme 2023. Collection method: clinical testing. Allele origin: germline.
Comment: The p.I31V variant (also known as c.91A>G), located in coding exon 3 of the BUB1 gene, results from an A to G substitution at nucleotide position 91. The isoleucine at codon 31 is replaced by valine, an amino acid with highly similar properties. This amino acid position is conserved. In addition, this alteration is predicted to be tolerated by in silico analysis. Based on the available evidence, the clinical significance of this alteration remains unclear.

NM_004336.5(BUB1):c.91A>G (p.Ile31Val)

Gene: BUB1 (BUB1 mitotic checkpoint serine/threonine kinase; minus strand). Cytogenetic location: 2q13.
Variant type: single nucleotide variant.
Coding change: c.91A>G on transcript NM_004336.5 (MANE Select); coding-DNA position 91, A replaced by G.
Protein change: p.Ile31Val; replaces isoleucine 31 with valine.
Molecular consequence: missense variant.
Genome position (GRCh38, 1-based): chr2:110,674,220, T>C on the plus strand (A>G on the coding strand, the complement: BUB1 is on the minus strand). VCF-style: chr2-110674220-T-C. GRCh37 (hg19) VCF-style: chr2-111431797-T-C.
Other names: c.31A>G, p.Ile11Val (NM_001278616.2); c.91A>G, p.Ile31Val (NM_001278617.2); short protein forms I11V, I31V.
Identifiers: ClinVar variation 3224131 (VCV003224131.1), dbSNP rs2468038798, ClinGen allele CA348221565.